The following is an entry in ClinVar:

NM_000829.4(GRIA4):c.2544+68G>C

Gene: GRIA4 (glutamate ionotropic receptor AMPA type subunit 4; plus strand). Cytogenetic location: 11q22.3.
Variant type: single nucleotide variant.
Coding change: c.2544+68G>C on transcript NM_000829.4 (MANE Select); 68 bases into the intron after coding-DNA position 2544, G replaced by C.
Molecular consequence: intron variant. On other transcripts: missense variant (1).
Genome position (GRCh38, 1-based): chr11:105,974,512, G>C. VCF-style: chr11-105974512-G-C. GRCh37 (hg19) VCF-style: chr11-105845239-G-C.
Other names: c.2612G>C, p.Arg871Thr (NM_001077243.3); short protein forms R871T.
Identifiers: ClinVar variation 2663456 (VCV002663456.1), dbSNP rs2498199673, ClinGen allele CA382304856.

ClinVar aggregate classification (germline): Uncertain significance (1 of 4 stars; one submission).

Submission:

GeneDx
Classification: Uncertain significance. Last evaluated: 2023-04-15. Review status: criteria provided, single submitter. Criteria: GeneDx Variant Classification Process June 2021. Collection method: clinical testing. Allele origin: germline. Affected: yes.
Comment: Not observed at significant frequency in large population cohorts (gnomAD); In silico analysis supports that this variant does not alter splicing; Has not been previously published as pathogenic or benign to our knowledge